The following is an entry in ClinVar:

ClinVar aggregate classification (germline): Pathogenic (1 of 4 stars; one submission).

Conditions:
Nephronophthisis 15 (NPHP15). Identifiers: Orphanet 3156, MedGen C3541853, MONDO:0013917, OMIM 614845.

Submission:

Labcorp Genetics (formerly Invitae), Labcorp
Classification: Pathogenic for Nephronophthisis 15. Last evaluated: 2022-12-29. Review status: criteria provided, single submitter. Criteria: Invitae Variant Classification Sherloc (09022015). Collection method: clinical testing. Allele origin: germline.
Comment: For these reasons, this variant has been classified as Pathogenic. This variant has not been reported in the literature in individuals affected with CEP164-related conditions. This variant is not present in population databases (gnomAD no frequency). This sequence change creates a premature translational stop signal (p.Gln501*) in the CEP164 gene. It is expected to result in an absent or disrupted protein product. Loss-of-function variants in CEP164 are known to be pathogenic (PMID: 22863007, 28125082, 32367404, 34132027, 34499853).

Literature cited by the submitters: PubMed 22863007; PubMed 28125082; PubMed 32367404; PubMed 34132027; PubMed 34499853.

NM_014956.5(CEP164):c.1501C>T (p.Gln501Ter)

Gene: CEP164 (centrosomal protein 164; plus strand). Cytogenetic location: 11q23.3.
Variant type: single nucleotide variant.
Coding change: c.1501C>T on transcript NM_014956.5 (MANE Select); coding-DNA position 1501, C replaced by T.
Protein change: p.Gln501Ter; replaces glutamine 501 with a stop codon.
Molecular consequence: nonsense.
Genome position (GRCh38, 1-based): chr11:117,381,792, C>T. VCF-style: chr11-117381792-C-T. GRCh37 (hg19) VCF-style: chr11-117252508-C-T.
Other names: c.1510C>T, p.Gln504Ter (NM_001271933.2); short protein forms Q501*, Q504*.
Identifiers: ClinVar variation 2882518 (VCV002882518.3), dbSNP rs2541567891, ClinGen allele CA382742709.